The following is an entry in ClinVar:

ClinVar aggregate classification (germline): Benign. Review status: criteria provided, multiple submitters, no conflicts (2 of 4 stars). 13 submissions from 11 submitters: Benign (10). 3 of the submissions do not count toward it. Last evaluated 2026-02-04.

Conditions:
Amyotrophic lateral sclerosis type 5 (ALS5). Also called: AMYOTROPHIC LATERAL SCLEROSIS 5, JUVENILE. Identifiers: Orphanet 300605, MedGen C1865864, MONDO:0011196, OMIM 602099.
SPG11-related disorder. Also called: SPG11-related condition.
Charcot-Marie-Tooth disease axonal type 2X. Also called: CHARCOT-MARIE-TOOTH DISEASE, AXONAL, AUTOSOMAL RECESSIVE, TYPE 2X; CHARCOT-MARIE-TOOTH NEUROPATHY, TYPE 2X. Identifiers: Orphanet 466775, MedGen C5569024, MONDO:0014726, OMIM 616668.
Hereditary spastic paraplegia. Also called: Familial spastic paraparesis. Identifiers: Orphanet 685, MedGen C0037773, MONDO:0019064. Disease mechanism: loss of function.
Hereditary spastic paraplegia 11. Also called: SPASTIC PARAPLEGIA, AUTOSOMAL RECESSIVE, COMPLICATED, WITH THIN CORPUS CALLOSUM; SPASTIC PARAPLEGIA, AUTOSOMAL RECESSIVE, WITH MENTAL IMPAIRMENT AND THIN CORPUS CALLOSUM; Nakamura Osame syndrome; Autosomal recessive hereditary spastic paraplegia, mental impairment, and thin corpus callosum; Spastic paraplegia, mental retardation and thin corpus callosum; Spastic Paraplegia 11. Identifiers: Orphanet 2822, MedGen C1858479, MONDO:0011445, OMIM 604360.

Allele frequency attached by ClinVar (database versions not stated): gnomAD exomes 0.00267 and 0.00883; ESP Exome Variant Server 0.00331; gnomAD 0.00519 and 0.00600; TOPMed 0.00695; ExAC 0.00836; 1000 Genomes Project 30x 0.01999; 1000 Genomes Project 0.02276.
gnomAD v4.1: 5,154 of 1,614,078 alleles (0.32%); highest among the groups gnomAD compares: East Asian, 7.9%; 208 homozygotes.

Submissions (13):

Labcorp Genetics (formerly Invitae), Labcorp
Classification: Benign for Hereditary spastic paraplegia 11. Last evaluated: 2026-02-04. Review status: criteria provided, single submitter. Criteria: Invitae Variant Classification Sherloc (09022015). Collection method: clinical testing. Allele origin: germline.

Genome Diagnostics Laboratory, The Hospital for Sick Children
Classification: Benign for Hereditary spastic paraplegia. Last evaluated: 2021-11-18. Review status: criteria provided, single submitter. Criteria: ACMG Guidelines, 2015. Collection method: clinical testing. Allele origin: germline. Affected: yes.

Athena Diagnostics
Classification: Benign. Last evaluated: 2020-07-16. Review status: criteria provided, single submitter. Criteria: Athena Diagnostics Criteria. Collection method: clinical testing. Allele origin: unknown.

GeneDx
Classification: Benign. Last evaluated: 2019-05-24. Review status: criteria provided, single submitter. Criteria: GeneDx Variant Classification Process June 2021. Collection method: clinical testing. Allele origin: germline. Affected: yes.

Illumina Laboratory Services, Illumina
Classification: Benign for Hereditary spastic paraplegia 11. Last evaluated: 2018-01-12. Review status: criteria provided, single submitter. Criteria: ICSL Variant Classification Criteria 13 December 2019. Collection method: clinical testing. Allele origin: germline.
Comment: This variant was observed in the ICSL laboratory as part of a predisposition screen in an ostensibly healthy population. It had not been previously curated by ICSL or reported in the Human Gene Mutation Database (HGMD: prior to June 1st, 2018), and was therefore a candidate for classification through an automated scoring system. Utilizing variant allele frequency, disease prevalence and penetrance estimates, and inheritance mode, an automated score was calculated to assess if this variant is too frequent to cause the disease. Based on the score and internal cut-off values, a variant classified as benign is not then subjected to further curation. The score for this variant resulted in a classification of benign for this disease.

Mayo Clinic Laboratories, Mayo Clinic
Classification: Benign. Last evaluated: 2017-11-22. Review status: criteria provided, single submitter. Criteria: ACMG Guidelines, 2015. Collection method: clinical testing. Allele origin: germline. Observed: 9 variant alleles.

Breakthrough Genomics
Classification: Benign. Review status: criteria provided, single submitter. Criteria: ACMG Guidelines, 2015. Collection method: not provided. Allele origin: germline. Inheritance: Autosomal recessive inheritance. Affected: yes.

Genome-Nilou Lab
Classification: Benign for Amyotrophic lateral sclerosis type 5. Review status: criteria provided, single submitter. Criteria: ACMG Guidelines, 2015. Collection method: clinical testing. Allele origin: germline.

Genome-Nilou Lab
Classification: Benign for Charcot-Marie-Tooth disease axonal type 2X. Review status: criteria provided, single submitter. Criteria: ACMG Guidelines, 2015. Collection method: clinical testing. Allele origin: germline.

Genome-Nilou Lab
Classification: Benign for Hereditary spastic paraplegia 11. Review status: criteria provided, single submitter. Criteria: ACMG Guidelines, 2015. Collection method: clinical testing. Allele origin: germline.

PreventionGenetics, part of Exact Sciences
Classification: Benign for SPG11-related condition. Last evaluated: 2019-04-08. Review status: no assertion criteria provided. Collection method: clinical testing. Allele origin: germline. Not counted in ClinVar's aggregate classification.
Comment: This variant is classified as benign based on ACMG/AMP sequence variant interpretation guidelines (Richards et al. 2015 PMID: 25741868, with internal and published modifications).

Clinical Genetics, Academic Medical Center
Classification: Benign. Review status: no assertion criteria provided. Collection method: clinical testing. Allele origin: germline. Affected: yes. Study: VKGL Data-share Consensus. Not counted in ClinVar's aggregate classification.

Genome Diagnostics Laboratory, Amsterdam University Medical Center
Classification: Likely benign. Review status: no assertion criteria provided. Collection method: clinical testing. Allele origin: germline. Affected: yes. Study: VKGL Data-share Consensus. Not counted in ClinVar's aggregate classification.

NM_025137.4(SPG11):c.993C>T (p.Ser331=)

Gene: SPG11 (SPG11 vesicle trafficking associated, spatacsin; minus strand). Cytogenetic location: 15q21.1.
Variant type: single nucleotide variant.
Coding change: c.993C>T on transcript NM_025137.4 (MANE Select); coding-DNA position 993, C replaced by T.
Protein change: p.Ser331=; no amino-acid change (serine 331 retained).
Molecular consequence: synonymous variant.
Genome position (GRCh38, 1-based): chr15:44,652,143, G>A on the plus strand (C>T on the coding strand, the complement: SPG11 is on the minus strand). VCF-style: chr15-44652143-G-A. GRCh37 (hg19) VCF-style: chr15-44944341-G-A.
Other names: p.Ser331=; c.993C>T, p.Ser331= (NM_001160227.2).
Identifiers: ClinVar variation 316110 (VCV000316110.28), dbSNP rs76823973, ClinGen allele CA7535660.